The following is an entry in ClinVar:

NM_007194.4(CHEK2):c.591A>T (p.Lys197Asn)

Gene: CHEK2 (checkpoint kinase 2; minus strand). Cytogenetic location: 22q12.1.
Variant type: single nucleotide variant.
Coding change: c.591A>T on transcript NM_007194.4 (MANE Select); coding-DNA position 591, A replaced by T.
Protein change: p.Lys197Asn; replaces lysine 197 with asparagine.
Molecular consequence: missense variant. On other transcripts: 5 prime UTR variant (2), intron variant (1).
Genome position (GRCh38, 1-based): chr22:28,724,978, T>A on the plus strand (A>T on the coding strand, the complement: CHEK2 is on the minus strand). VCF-style: chr22-28724978-T-A. GRCh37 (hg19) VCF-style: chr22-29120966-T-A.
Other names: c.720A>T, p.Lys240Asn (NM_001005735.3, NM_001438294.1); c.-187A>T (NM_001257387.3); c.-73A>T (NM_001437942.1); c.684A>T, p.Lys228Asn (NM_001438293.1, NM_001438295.1); c.591A>T, p.Lys197Asn (NM_145862.3); c.445-55A>T (NM_001349956.3); short protein forms K240N, K197N, K228N.
Identifiers: ClinVar variation 2014367 (VCV002014367.4), dbSNP rs1569157165, ClinGen allele CA411106910.

ClinVar aggregate classification (germline): Uncertain significance (1 of 4 stars; one submission).

Conditions:
Familial cancer of breast. Also called: Hereditary breast cancer; BREAST CANCER, FAMILIAL; hereditary breast carcinoma. Identifiers: Orphanet 227535, MedGen C0346153, MONDO:0016419, OMIM 114480. Disease mechanism: loss of function.

Submission:

Labcorp Genetics (formerly Invitae), Labcorp
Classification: Uncertain significance for Familial cancer of breast. Last evaluated: 2022-07-06. Review status: criteria provided, single submitter. Criteria: Invitae Variant Classification Sherloc (09022015). Collection method: clinical testing. Allele origin: germline.
Comment: Algorithms developed to predict the effect of missense changes on protein structure and function are either unavailable or do not agree on the potential impact of this missense change (SIFT: "Deleterious"; PolyPhen-2: "Benign"; Align-GVGD: "Class C65"). This variant has not been reported in the literature in individuals affected with CHEK2-related conditions. This variant is not present in population databases (gnomAD no frequency). This sequence change replaces lysine, which is basic and polar, with asparagine, which is neutral and polar, at codon 197 of the CHEK2 protein (p.Lys197Asn). Algorithms developed to predict the effect of sequence changes on RNA splicing suggest that this variant may disrupt the consensus splice site. In summary, the available evidence is currently insufficient to determine the role of this variant in disease. Therefore, it has been classified as a Variant of Uncertain Significance.